The following is an entry in ClinVar:

ClinVar aggregate classification (germline): Uncertain significance (1 of 4 stars; one submission).

Conditions:
Hereditary cancer-predisposing syndrome. Also called: Neoplastic Syndromes, Hereditary; Tumor predisposition; Hereditary Cancer Syndrome; Hereditary neoplastic syndrome. Identifiers: Orphanet 140162, MedGen C0027672, MeSH D009386, MONDO:0015356.

Submission:

Ambry Genetics
Classification: Uncertain significance for Hereditary cancer-predisposing syndrome. Last evaluated: 2025-06-19. Review status: criteria provided, single submitter. Criteria: Ambry Variant Classification Scheme 2023. Collection method: clinical testing. Allele origin: germline.
Comment: The p.Q296P variant (also known as c.887A>C), located in coding exon 7 of the SUFU gene, results from an A to C substitution at nucleotide position 887. The glutamine at codon 296 is replaced by proline, an amino acid with similar properties. This amino acid position is conserved. In addition, the in silico prediction for this alteration is inconclusive. Based on the available evidence, the clinical significance of this variant remains unclear.

NM_016169.4(SUFU):c.887A>C (p.Gln296Pro)

Gene: SUFU (SUFU negative regulator of hedgehog signaling; plus strand). Cytogenetic location: 10q24.32.
Variant type: single nucleotide variant.
Coding change: c.887A>C on transcript NM_016169.4 (MANE Select); coding-DNA position 887, A replaced by C.
Protein change: p.Gln296Pro; replaces glutamine 296 with proline.
Molecular consequence: missense variant.
Genome position (GRCh38, 1-based): chr10:102,597,270, A>C. VCF-style: chr10-102597270-A-C. GRCh37 (hg19) VCF-style: chr10-104357027-A-C.
Other names: c.887A>C, p.Gln296Pro (NM_001178133.2); short protein forms Q296P.
Identifiers: ClinVar variation 4177536 (VCV004177536.1).
Genomic context (GRCh38, chr10:102,597,270, plus strand): 5'-ATGACCTGAGCCGGCCCCCCGAGGATGACGAGGACAGCCGGAGCATCTGCATCGGCACAC[A>C]GCCCCGGCGACTCTCTGGCAAAGGTGGGAGCCATCACTCAGCATTCCACCAGCCTTCCTC-3'
Protein context (NP_057253.2, residues 286-306): EDSRSICIGT[Gln296Pro]PRRLSGKDTE